The following is an entry in ClinVar:

NM_000135.4(FANCA):c.2504+1G>C

Gene: FANCA (FA complementation group A; minus strand). Cytogenetic location: 16q24.3.
Variant type: single nucleotide variant.
Coding change: c.2504+1G>C on transcript NM_000135.4 (MANE Select); the canonical splice donor site of the intron after coding-DNA position 2504, G replaced by C.
Molecular consequence: splice donor variant.
Genome position (GRCh38, 1-based): chr16:89,769,836, C>G on the plus strand (G>C on the coding strand, the complement: FANCA is on the minus strand). VCF-style: chr16-89769836-C-G. GRCh37 (hg19) VCF-style: chr16-89836244-C-G.
Other names: c.2504+1G>C (NM_001286167.3, NM_000135.3).
Identifiers: ClinVar variation 1180812 (VCV001180812.7), dbSNP rs2039260545, ClinGen allele CA397442936.

ClinVar aggregate classification (germline): Likely pathogenic. Review status: criteria provided, multiple submitters, no conflicts (2 of 4 stars). 3 submissions from 3 submitters: Likely pathogenic (3). Last evaluated 2024-06-10.

Conditions:
Fanconi anemia (FA). Also called: Fanconi's anemia. Identifiers: Orphanet 84, MedGen C0015625, MeSH D005199, MONDO:0019391.
Abnormality of blood and blood-forming tissues. Identifiers: MedGen C0850715, HP:0001871.

Allele frequency attached by ClinVar (database versions not stated): gnomAD exomes below 0.00001.
gnomAD v4.1: 2 of 1,614,050 alleles (0.00012%); highest among the groups gnomAD compares: Non-Finnish European, 0.00017%; no homozygotes.

Submissions (3):

Natera, Inc.
Classification: Likely pathogenic for Fanconi anemia. Last evaluated: 2024-06-10. Review status: criteria provided, single submitter. Criteria: Natera Variant Classification Schema (03/2026). Collection method: clinical testing. Allele origin: germline.
Comment: The c.2504+1G>C variant in FANCA is a canonical splice donor site variant predicted to affect pre-mRNA splicing, which may result in an abnormal transcript and altered protein product. This variant is expected to result in nonsense mediated decay, truncation, or a dysfunctional protein product. This variant is rare in the general population with a frequency below the threshold expected for the associated phenotype(s). Given the available evidence, this variant is classified as Likely Pathogenic.

Labcorp Genetics (formerly Invitae), Labcorp
Classification: Likely pathogenic for Fanconi anemia. Last evaluated: 2023-04-06. Review status: criteria provided, single submitter. Criteria: Invitae Variant Classification Sherloc (09022015). Collection method: clinical testing. Allele origin: germline.
Comment: In summary, the currently available evidence indicates that the variant is pathogenic, but additional data are needed to prove that conclusively. Therefore, this variant has been classified as Likely Pathogenic. ClinVar contains an entry for this variant (Variation ID: 1180812). This variant has not been reported in the literature in individuals affected with FANCA-related conditions. This variant is not present in population databases (gnomAD no frequency). This sequence change affects a donor splice site in intron 26 of the FANCA gene. It is expected to disrupt RNA splicing. Variants that disrupt the donor or acceptor splice site typically lead to a loss of protein function (PMID: 16199547), and loss-of-function variants in FANCA are known to be pathogenic (PMID: 19367192).

Kariminejad - Najmabadi Pathology & Genetics Center
Classification: Likely pathogenic for Abnormality of blood and blood-forming tissues. Last evaluated: 2021-07-10. Review status: criteria provided, single submitter. Criteria: ACMG Guidelines, 2015. Collection method: clinical testing. Allele origin: germline. Affected: yes.

Literature cited by the submitters: PubMed 16199547 (cited by Labcorp Genetics (formerly Invitae), Labcorp); PubMed 19367192 (cited by Labcorp Genetics (formerly Invitae), Labcorp).